The following is an entry in ClinVar:

ClinVar aggregate classification (germline): Uncertain significance. Review status: criteria provided, multiple submitters, no conflicts (2 of 4 stars). 2 submissions from 2 submitters: Uncertain significance (2). Last evaluated 2025-01-10.

Conditions:
Hereditary cancer-predisposing syndrome. Also called: Hereditary neoplastic syndrome; Neoplastic Syndromes, Hereditary; Hereditary Cancer Syndrome; Tumor predisposition. Identifiers: Orphanet 140162, MedGen C0027672, MeSH D009386, MONDO:0015356.
Familial meningioma. Also called: Meningioma, familial, susceptibility to. Identifiers: Orphanet 263662, MedGen C3551915, MONDO:0011789, OMIM 607174.

Submissions (2):

Ambry Genetics
Classification: Uncertain significance for Hereditary cancer-predisposing syndrome. Last evaluated: 2025-01-10. Review status: criteria provided, single submitter. Criteria: Ambry Variant Classification Scheme 2023. Collection method: clinical testing. Allele origin: germline.
Comment: The p.D180V variant (also known as c.539A>T), located in coding exon 6 of the SMARCE1 gene, results from an A to T substitution at nucleotide position 539. The aspartic acid at codon 180 is replaced by valine, an amino acid with highly dissimilar properties. This amino acid position is conserved. In addition, the in silico prediction for this alteration is inconclusive. Based on the available evidence, the clinical significance of this variant remains unclear.

Labcorp Genetics (formerly Invitae), Labcorp
Classification: Uncertain significance for Familial meningioma. Last evaluated: 2019-10-15. Review status: criteria provided, single submitter. Criteria: Invitae Variant Classification Sherloc (09022015). Collection method: clinical testing. Allele origin: germline.
Comment: This sequence change replaces aspartic acid with valine at codon 180 of the SMARCE1 protein (p.Asp180Val). The aspartic acid residue is highly conserved and there is a large physicochemical difference between aspartic acid and valine. This variant is not present in population databases (ExAC no frequency). This variant has not been reported in the literature in individuals with SMARCE1-related conditions. Algorithms developed to predict the effect of missense changes on protein structure and function are either unavailable or do not agree on the potential impact of this missense change (SIFT: "Deleterious"; PolyPhen-2: "Benign"; Align-GVGD: "Class C65"). In summary, the available evidence is currently insufficient to determine the role of this variant in disease. Therefore, it has been classified as a Variant of Uncertain Significance.

NM_003079.5(SMARCE1):c.539A>T (p.Asp180Val)

Gene: SMARCE1 (SWI/SNF related BAF chromatin remodeling complex subunit E1; minus strand). Cytogenetic location: 17q21.2.
Variant type: single nucleotide variant.
Coding change: c.539A>T on transcript NM_003079.5 (MANE Select); coding-DNA position 539, A replaced by T.
Protein change: p.Asp180Val; replaces aspartic acid 180 with valine.
Molecular consequence: missense variant.
Genome position (GRCh38, 1-based): chr17:40,635,933, T>A on the plus strand (A>T on the coding strand, the complement: SMARCE1 is on the minus strand). VCF-style: chr17-40635933-T-A. GRCh37 (hg19) VCF-style: chr17-38792185-T-A.
Other names: short protein forms D180V.
Identifiers: ClinVar variation 967741 (VCV000967741.10), dbSNP rs2037142009, ClinGen allele CA399366183.
Genomic context (GRCh38, chr17:40,635,933, plus strand): 5'-TTCTCATATCTTAACTCACAGAGAAAGCATAAACAAAACCCCACTTTTTTTCTTTTACCA[T>A]CTGGATCTTCAGCAGGCTGAATGCTCATGTACGGTTCTCCTTTCTCCATGCGAGATTGTC-3'
Protein context (NP_003070.3, residues 170-190): YMSIQPAEDP[Asp180Val]DYDDGFSMKH